The following is an entry in ClinVar:

ClinVar aggregate classification (germline): Uncertain significance (1 of 4 stars; one submission).

Conditions:
Neuronal ceroid lipofuscinosis. Also called: Neuronal Ceroid Lipofuscinoses. Identifiers: Orphanet 216, Orphanet 79263, MedGen C0027877, MONDO:0016295. Disease mechanism: loss of function.

Allele frequency attached by ClinVar (database versions not stated): ExAC 0.00002; ESP Exome Variant Server 0.00008.

Submission:

Labcorp Genetics (formerly Invitae), Labcorp
Classification: Uncertain significance for Neuronal ceroid lipofuscinosis. Last evaluated: 2024-01-24. Review status: criteria provided, single submitter. Criteria: Invitae Variant Classification Sherloc (09022015). Collection method: clinical testing. Allele origin: germline.
Comment: This sequence change replaces histidine, which is basic and polar, with asparagine, which is neutral and polar, at codon 120 of the CLN3 protein (p.His120Asn). This variant is present in population databases (rs145749864, gnomAD 0.0009%). This variant has not been reported in the literature in individuals affected with CLN3-related conditions. ClinVar contains an entry for this variant (Variation ID: 1372948). Advanced modeling of protein sequence and biophysical properties (such as structural, functional, and spatial information, amino acid conservation, physicochemical variation, residue mobility, and thermodynamic stability) performed at Invitae indicates that this missense variant is not expected to disrupt CLN3 protein function with a negative predictive value of 80%. In summary, the available evidence is currently insufficient to determine the role of this variant in disease. Therefore, it has been classified as a Variant of Uncertain Significance.

NM_001042432.2(CLN3):c.358C>A (p.His120Asn)

Gene: CLN3 (CLN3 lysosomal/endosomal transmembrane protein, battenin; minus strand). Cytogenetic location: 16p12.1.
Variant type: single nucleotide variant.
Coding change: c.358C>A on transcript NM_001042432.2 (MANE Select); coding-DNA position 358, C replaced by A.
Protein change: p.His120Asn; replaces histidine 120 with asparagine.
Molecular consequence: missense variant. On other transcripts: intron variant (1).
Genome position (GRCh38, 1-based): chr16:28,487,678, G>T on the plus strand (C>A on the coding strand, the complement: CLN3 is on the minus strand). VCF-style: chr16-28487678-G-T. GRCh37 (hg19) VCF-style: chr16-28498999-G-T.
Other names: c.358C>A, p.His120Asn (NM_000086.2); c.286C>A, p.His96Asn (NM_001286104.2); c.124C>A, p.His42Asn (NM_001286109.2); c.196C>A, p.His66Asn (NM_001286110.2); c.75-137C>A (NM_001286105.2); short protein forms H120N, H42N, H66N, H96N.
Identifiers: ClinVar variation 1372948 (VCV001372948.6), dbSNP rs145749864, ClinGen allele CA7980964.